The following is an entry in ClinVar:

ClinVar aggregate classification (germline): Likely benign. Review status: criteria provided, multiple submitters, no conflicts (2 of 4 stars). 4 submissions from 4 submitters: Likely benign (2). 2 of the submissions do not count toward it. Last evaluated 2024-11-20.

Allele frequency attached by ClinVar (database versions not stated): gnomAD 0.00091; ExAC 0.00523.
gnomAD v4.1: 610 of 1,467,076 alleles (0.042%); highest among the groups gnomAD compares: Admixed American, 0.072%; 16 homozygotes.

Submissions (4):

Blueprint Genetics
Classification: Likely benign. Last evaluated: 2024-11-20. Review status: criteria provided, single submitter. Criteria: ACMG Guidelines, 2015. Collection method: clinical testing. Allele origin: germline.

CeGaT Center for Human Genetics Tuebingen
Classification: Likely benign. Last evaluated: 2023-01-01. Review status: criteria provided, single submitter. Criteria: CeGaT Center For Human Genetics Tuebingen Variant Classification Criteria Version 2. Collection method: clinical testing. Allele origin: germline. Affected: yes. Observed: 1 variant allele.
Comment: RP1L1: BP4, BP7

Clinical Genetics DNA and cytogenetics Diagnostics Lab, Erasmus MC, Erasmus Medical Center
Classification: Likely benign. Review status: no assertion criteria provided. Collection method: clinical testing. Allele origin: germline. Affected: yes. Study: VKGL Data-share Consensus. Not counted in ClinVar's aggregate classification.

Clinical Genetics, Academic Medical Center
Classification: Benign. Review status: no assertion criteria provided. Collection method: clinical testing. Allele origin: germline. Affected: yes. Study: VKGL Data-share Consensus. Not counted in ClinVar's aggregate classification.

NM_178857.6(RP1L1):c.4002G>A (p.Glu1334=)

Gene: RP1L1 (RP1 like 1). Cytogenetic location: 8p23.1.
Variant type: single nucleotide variant.
Coding change: c.4002G>A on transcript NM_178857.6 (MANE Select); coding-DNA position 4002, G replaced by A.
Protein change: p.Glu1334=; no amino-acid change (glutamic acid 1334 retained).
Molecular consequence: synonymous variant.
Genome position (GRCh38, 1-based): chr8:10,610,096, C>T on the plus strand (G>A on the coding strand, the complement: RP1L1 is on the minus strand). VCF-style: chr8-10610096-C-T. GRCh37 (hg19) VCF-style: chr8-10467606-C-T.
Identifiers: ClinVar variation 1284623 (VCV001284623.28), dbSNP rs749598085, ClinGen allele CA4624232.